The following is an entry in ClinVar:

NM_000080.4(CHRNE):c.1242C>A (p.Gly414=)

Gene: CHRNE (cholinergic receptor nicotinic epsilon subunit; minus strand). Cytogenetic location: 17p13.2.
Variant type: single nucleotide variant.
Coding change: c.1242C>A on transcript NM_000080.4 (MANE Select); coding-DNA position 1242, C replaced by A.
Protein change: p.Gly414=; no amino-acid change (glycine 414 retained).
Molecular consequence: synonymous variant.
Genome position (GRCh38, 1-based): chr17:4,899,085, G>T on the plus strand (C>A on the coding strand, the complement: CHRNE is on the minus strand). VCF-style: chr17-4899085-G-T. GRCh37 (hg19) VCF-style: chr17-4802380-G-T.
Other names: c.1242C>A, p.Gly414= (LRG_1254t1).
Identifiers: ClinVar variation 323980 (VCV000323980.21), dbSNP rs370770111, ClinGen allele CA8313928.

ClinVar aggregate classification (germline): Benign/Likely benign. Review status: criteria provided, multiple submitters, no conflicts (2 of 4 stars). 3 submissions from 3 submitters: Benign (1); Likely benign (1). 1 of the submissions does not count toward it. Last evaluated 2026-01-25.

Conditions:
Congenital myasthenic syndrome (CMS). Also called: Congenital Myasthenic Syndromes. Identifiers: Orphanet 590, MedGen C0751882, MeSH D020294, MONDO:0018940.
Congenital myasthenic syndrome 4A. Also called: Myasthenic syndrome, congenital, 4a, slow-channel; CONGENITAL MYASTHENIC SYNDROME TYPE Ia1; MYASTHENIC SYNDROME, CONGENITAL, 4A, SLOW-CHANNEL, AUTOSOMAL RECESSIVE. Identifiers: Orphanet 590, MedGen C4225413, MONDO:0011600, OMIM 605809.

Allele frequency attached by ClinVar (database versions not stated): ESP Exome Variant Server 0.00008; 1000 Genomes Project 30x 0.00031; TOPMed 0.00040.
gnomAD v4.1: 303 of 1,610,772 alleles (0.019%); highest among the groups gnomAD compares: Admixed American, 0.41%; 3 homozygotes.

Submissions (3):

Labcorp Genetics (formerly Invitae), Labcorp
Classification: Benign for Congenital myasthenic syndrome 4A. Last evaluated: 2026-01-25. Review status: criteria provided, single submitter. Criteria: Invitae Variant Classification Sherloc (09022015). Collection method: clinical testing. Allele origin: germline.

Illumina Laboratory Services, Illumina
Classification: Likely benign for Congenital myasthenic syndrome. Last evaluated: 2018-01-13. Review status: criteria provided, single submitter. Criteria: ICSL Variant Classification Criteria 13 December 2019. Collection method: clinical testing. Allele origin: germline.
Comment: This variant was observed in the ICSL laboratory as part of a predisposition screen in an ostensibly healthy population. It had not been previously curated by ICSL or reported in the Human Gene Mutation Database (HGMD: prior to June 1st, 2018), and was therefore a candidate for classification through an automated scoring system. Utilizing variant allele frequency, disease prevalence and penetrance estimates, and inheritance mode, an automated score was calculated to assess if this variant is too frequent to cause the disease. Based on the score and internal cut-off values, a variant classified as likely benign is not then subjected to further curation. The score for this variant resulted in a classification of likely benign for this disease.

Natera, Inc.
Classification: Likely benign for Congenital myasthenic syndrome. Last evaluated: 2019-10-23. Review status: no assertion criteria provided. Collection method: clinical testing. Allele origin: germline. Not counted in ClinVar's aggregate classification.